The following is an entry in ClinVar:

NM_000135.4(FANCA):c.24C>G (p.Asn8Lys)

Genes: FANCA (FA complementation group A; minus strand), LOC112486223 (Sharpr-MPRA regulatory region 3988; plus strand). Cytogenetic location: 16q24.3.
Variant type: single nucleotide variant.
Coding change: c.24C>G on transcript NM_000135.4 (MANE Select); coding-DNA position 24, C replaced by G.
Protein change: p.Asn8Lys; replaces asparagine 8 with lysine.
Molecular consequence: missense variant.
Genome position (GRCh38, 1-based): chr16:89,816,592, G>C on the plus strand (C>G on the coding strand, the complement: FANCA is on the minus strand). VCF-style: chr16-89816592-G-C. GRCh37 (hg19) VCF-style: chr16-89883000-G-C.
Other names: c.24C>G (LRG_495t1, NM_000135.3); c.24C>G, p.Asn8Lys (NM_001018112.3, NM_001286167.3, NM_001351830.2); short protein forms N8K.
Identifiers: ClinVar variation 134236 (VCV000134236.29), dbSNP rs76275444, ClinGen allele CA159223.

ClinVar aggregate classification (germline): Benign. Review status: criteria provided, multiple submitters, no conflicts (2 of 4 stars). 12 submissions from 12 submitters: Benign (9). 3 of the submissions do not count toward it. Last evaluated 2026-02-04.

Conditions:
Fanconi anemia (FA). Also called: Fanconi's anemia. Identifiers: Orphanet 84, MedGen C0015625, MeSH D005199, MONDO:0019391.
Fanconi anemia complementation group A (FANCA). Also called: Fanconi anemia, group A; FANCA-Related Fanconi Anemia. Identifiers: Orphanet 84, MedGen C3469521, MONDO:0009215, OMIM 227650.

Allele frequency attached by ClinVar (database versions not stated): gnomAD exomes 0.00495; ExAC 0.00824; ESP Exome Variant Server 0.03194; gnomAD 0.04436; TOPMed 0.04983; 1000 Genomes Project 0.04992; 1000 Genomes Project 30x 0.05387.
gnomAD v4.1: 12,610 of 1,527,118 alleles (0.83%); highest among the groups gnomAD compares: African/African-American, 16%; 980 homozygotes.

Submissions (12):

Labcorp Genetics (formerly Invitae), Labcorp
Classification: Benign for Fanconi anemia. Last evaluated: 2026-02-04. Review status: criteria provided, single submitter. Criteria: Invitae Variant Classification Sherloc (09022015). Collection method: clinical testing. Allele origin: germline.

Quest Diagnostics Nichols Institute San Juan Capistrano
Classification: Benign. Last evaluated: 2025-04-04. Review status: criteria provided, single submitter. Criteria: Quest Diagnostics criteria. Collection method: clinical testing. Allele origin: unknown.

ARUP Laboratories, Molecular Genetics and Genomics, ARUP Laboratories
Classification: Benign for Fanconi anemia complementation group A. Last evaluated: 2024-12-20. Review status: criteria provided, single submitter. Criteria: ARUP Molecular Germline Variant Investigation Process 2024. Collection method: clinical testing. Allele origin: germline.

KCCC/NGS Laboratory, Kuwait Cancer Control Center
Classification: Benign for Fanconi anemia complementation group A. Last evaluated: 2023-07-07. Review status: criteria provided, single submitter. Criteria: ACMG Guidelines, 2015. Collection method: clinical testing. Allele origin: germline. Affected: yes.

Mayo Clinic Laboratories, Mayo Clinic
Classification: Benign. Last evaluated: 2021-05-06. Review status: criteria provided, single submitter. Criteria: ACMG Guidelines, 2015. Collection method: clinical testing. Allele origin: germline. Observed: 71 variant alleles.

GeneDx
Classification: Benign. Last evaluated: 2019-03-20. Review status: criteria provided, single submitter. Criteria: GeneDx Variant Classification Process June 2021. Collection method: clinical testing. Allele origin: germline. Affected: yes.

Illumina Laboratory Services, Illumina
Classification: Benign for Fanconi anemia complementation group A. Last evaluated: 2018-01-13. Review status: criteria provided, single submitter. Criteria: ICSL Variant Classification Criteria 13 December 2019. Collection method: clinical testing. Allele origin: germline.
Comment: This variant was observed in the ICSL laboratory as part of a predisposition screen in an ostensibly healthy population. It had not been previously curated by ICSL or reported in the Human Gene Mutation Database (HGMD: prior to June 1st, 2018), and was therefore a candidate for classification through an automated scoring system. Utilizing variant allele frequency, disease prevalence and penetrance estimates, and inheritance mode, an automated score was calculated to assess if this variant is too frequent to cause the disease. Based on the score and internal cut-off values, a variant classified as benign is not then subjected to further curation. The score for this variant resulted in a classification of benign for this disease.

Breakthrough Genomics
Classification: Benign. Review status: criteria provided, single submitter. Criteria: ACMG Guidelines, 2015. Collection method: not provided. Allele origin: germline. Inheritance: Autosomal recessive inheritance. Affected: yes.

PreventionGenetics, part of Exact Sciences
Classification: Benign. Review status: criteria provided, single submitter. Criteria: ACMG Guidelines, 2015. Collection method: clinical testing. Allele origin: germline.

Natera, Inc.
Classification: Benign for Fanconi anemia, group A. Last evaluated: 2020-09-16. Review status: no assertion criteria provided. Collection method: clinical testing. Allele origin: germline. Not counted in ClinVar's aggregate classification.

Leiden Open Variation Database
Classification: Uncertain significance for Fanconi anemia complementation group A. Last evaluated: 2020-02-28. Review status: no assertion criteria provided. Collection method: curation. Allele origin: germline. Affected: yes. Not counted in ClinVar's aggregate classification.
Comment: Curator: Arleen D. Auerbach. Submitter to LOVD: Arleen D. Auerbach.

ITMI
No classification provided. Condition: AllHighlyPenetrant. Last evaluated: 2013-09-19. Review status: no classification provided. Collection method: reference population. Allele origin: germline. Not counted in ClinVar's aggregate classification.
Comment: Please see associated publication for description of ethnicities

Literature cited by the submitters: PubMed 24728327 (cited by ITMI).